The following is an entry in ClinVar:

NM_001007527.2(LMBRD2):c.537-1G>A

Gene: LMBRD2 (LMBR1 domain containing 2; minus strand). Cytogenetic location: 5p13.2.
Variant type: single nucleotide variant.
Coding change: c.537-1G>A on transcript NM_001007527.2 (MANE Select); the canonical splice acceptor site of the intron before coding-DNA position 537, G replaced by A.
Molecular consequence: splice acceptor variant.
Genome position (GRCh38, 1-based): chr5:36,136,520, C>T on the plus strand (G>A on the coding strand, the complement: LMBRD2 is on the minus strand). VCF-style: chr5-36136520-C-T. GRCh37 (hg19) VCF-style: chr5-36136622-C-T.
Identifiers: ClinVar variation 1710393 (VCV001710393.3), dbSNP rs1744275958, ClinGen allele CA359452389.

ClinVar aggregate classification (germline): Uncertain significance (1 of 4 stars; one submission).

Allele frequency attached by ClinVar (database versions not stated): gnomAD exomes 0.00001.
gnomAD v4.1: 12 of 1,612,772 alleles (0.00074%); highest among the groups gnomAD compares: Non-Finnish European, 0.001%; no homozygotes.

Submission:

Greenwood Genetic Center Diagnostic Laboratories, Greenwood Genetic Center
Classification: Uncertain significance. Last evaluated: 2022-09-07. Review status: criteria provided, single submitter. Criteria: ACMG Guidelines, 2015. Collection method: clinical testing. Allele origin: germline. Affected: yes.
Comment: PM2